The following is an entry in ClinVar:

ClinVar aggregate classification (germline): Uncertain significance (1 of 4 stars; one submission).

Submission:

Labcorp Genetics (formerly Invitae), Labcorp
Classification: Uncertain significance. Last evaluated: 2024-04-25. Review status: criteria provided, single submitter. Criteria: Invitae Variant Classification Sherloc (09022015). Collection method: clinical testing. Allele origin: germline.
Comment: This variant, c.1852_1854del, results in the deletion of 1 amino acid(s) of the SCNN1B protein (p.Pro618del), but otherwise preserves the integrity of the reading frame. This variant is not present in population databases (gnomAD no frequency). This variant has not been reported in the literature in individuals affected with SCNN1B-related conditions. Experimental studies and prediction algorithms are not available or were not evaluated, and the functional significance of this variant is currently unknown. In summary, the available evidence is currently insufficient to determine the role of this variant in disease. Therefore, it has been classified as a Variant of Uncertain Significance.

NM_000336.3(SCNN1B):c.1852_1854del (p.Pro618del)

Gene: SCNN1B (sodium channel epithelial 1 subunit beta; plus strand). Cytogenetic location: 16p12.2.
Variant type: Deletion.
Coding change: c.1852_1854del on transcript NM_000336.3 (MANE Select); coding-DNA positions 1852 to 1854, 3 bases deleted (CCC; older notation c.1852_1854delCCC).
Protein change: p.Pro618del; deletes proline 618.
Genome position (GRCh38, 1-based): chr16:23,380,730-23,380,732, CCC deleted; deleting any 3 consecutive bases within chr16:23,380,727-23,380,732 gives the same sequence; the c. name uses the placement nearest the transcript's 3' end. VCF-style (leftmost placement, unchanged base first): chr16-23380726-GCCC-G. GRCh37 (hg19) VCF-style: chr16-23392047-GCCC-G.
Other names: c.1744_1746del, p.Pro582del (NM_001410900.1); short protein forms P582del, P618del.
Identifiers: ClinVar variation 3650956 (VCV003650956.2).